The following is an entry in ClinVar:

ClinVar aggregate classification (germline): Benign/Likely benign. Review status: criteria provided, multiple submitters, no conflicts (2 of 4 stars). 2 submissions from 2 submitters: Benign (1); Likely benign (1). Last evaluated 2026-04-01.

Conditions:
Nance-Horan syndrome (NHS). Identifiers: Orphanet 627, MedGen C0796085, MONDO:0010545, OMIM 302350.

Allele frequency attached by ClinVar (database versions not stated): gnomAD 0.00003; gnomAD exomes 0.00003; TOPMed 0.00005; ExAC 0.00006; 1000 Genomes Project 30x 0.00021; 1000 Genomes Project 0.00026.
gnomAD v4.1: 36 of 1,209,533 alleles (0.003%); highest among the groups gnomAD compares: Admixed American, 0.079%; no homozygotes.

Submissions (2):

CeGaT Center for Human Genetics Tuebingen
Classification: Likely benign. Last evaluated: 2026-04-01. Review status: criteria provided, single submitter. Criteria: CeGaT Center For Human Genetics Tuebingen Variant Classification Criteria Version 2. Collection method: clinical testing. Allele origin: germline. Affected: yes. Observed: 1 variant allele.
Comment: NHS: BP4, BS2

Labcorp Genetics (formerly Invitae), Labcorp
Classification: Benign for Nance-Horan syndrome. Last evaluated: 2025-04-09. Review status: criteria provided, single submitter. Criteria: Invitae Variant Classification Sherloc (09022015). Collection method: clinical testing. Allele origin: germline.

NM_001291867.2(NHS):c.4314T>C (p.Pro1438=)

Gene: NHS (NHS actin remodeling regulator; plus strand). Cytogenetic location: Xp22.13.
Variant type: single nucleotide variant.
Coding change: c.4314T>C on transcript NM_001291867.2 (MANE Select); coding-DNA position 4314, T replaced by C.
Protein change: p.Pro1438=; no amino-acid change (proline 1438 retained).
Molecular consequence: synonymous variant.
Genome position (GRCh38, 1-based): chrX:17,728,740, T>C. VCF-style: chrX-17728740-T-C. GRCh37 (hg19) VCF-style: chrX-17746860-T-C.
Other names: c.3783T>C, p.Pro1261= (NM_001136024.4); c.3720T>C, p.Pro1240= (NM_001291868.2); c.4251T>C, p.Pro1417= (NM_198270.4).
Identifiers: ClinVar variation 2037902 (VCV002037902.6), dbSNP rs185986478, ClinGen allele CA10358912.